The following is an entry in ClinVar:

ClinVar aggregate classification (germline): Pathogenic (1 of 4 stars; one submission).

Submission:

Labcorp Genetics (formerly Invitae), Labcorp
Classification: Pathogenic. Last evaluated: 2023-04-14. Review status: criteria provided, single submitter. Criteria: Invitae Variant Classification Sherloc (09022015). Collection method: clinical testing. Allele origin: germline.
Comment: For these reasons, this variant has been classified as Pathogenic. This variant has not been reported in the literature in individuals affected with TMPRSS3-related conditions. This variant is not present in population databases (gnomAD no frequency). This sequence change creates a premature translational stop signal (p.Trp339*) in the TMPRSS3 gene. It is expected to result in an absent or disrupted protein product. Loss-of-function variants in TMPRSS3 are known to be pathogenic (PMID: 16021470, 26969326).

Literature cited by the submitters: PubMed 16021470; PubMed 26969326.

NM_001256317.3(TMPRSS3):c.1017G>A (p.Trp339Ter)

Gene: TMPRSS3 (transmembrane serine protease 3; minus strand). Cytogenetic location: 21q22.3.
Variant type: single nucleotide variant.
Coding change: c.1017G>A on transcript NM_001256317.3 (MANE Select); coding-DNA position 1017, G replaced by A.
Protein change: p.Trp339Ter; replaces tryptophan 339 with a stop codon.
Molecular consequence: nonsense.
Genome position (GRCh38, 1-based): chr21:42,380,148, C>T on the plus strand (G>A on the coding strand, the complement: TMPRSS3 is on the minus strand). VCF-style: chr21-42380148-C-T. GRCh37 (hg19) VCF-style: chr21-43800257-C-T.
Other names: c.1017G>A, p.Trp339Ter (NM_024022.4); c.636G>A, p.Trp212Ter (NM_032404.3); short protein forms W212*, W339*.
Identifiers: ClinVar variation 2856116 (VCV002856116.3), dbSNP rs2517107435, ClinGen allele CA410370805.